The following is an entry in ClinVar:

ClinVar aggregate classification (germline): Uncertain significance (1 of 4 stars; one submission).

Submission:

Labcorp Genetics (formerly Invitae), Labcorp
Classification: Uncertain significance. Last evaluated: 2023-08-04. Review status: criteria provided, single submitter. Criteria: Invitae Variant Classification Sherloc (09022015). Collection method: clinical testing. Allele origin: germline.
Comment: This variant is not present in population databases (gnomAD no frequency). This sequence change replaces leucine, which is neutral and non-polar, with valine, which is neutral and non-polar, at codon 899 of the WDR62 protein (p.Leu899Val). This variant has not been reported in the literature in individuals affected with WDR62-related conditions. ClinVar contains an entry for this variant (Variation ID: 1475353). Advanced modeling of protein sequence and biophysical properties (such as structural, functional, and spatial information, amino acid conservation, physicochemical variation, residue mobility, and thermodynamic stability) performed at Invitae indicates that this missense variant is not expected to disrupt WDR62 protein function. In summary, the available evidence is currently insufficient to determine the role of this variant in disease. Therefore, it has been classified as a Variant of Uncertain Significance.

NM_001083961.2(WDR62):c.2695C>G (p.Leu899Val)

Gene: WDR62 (WD repeat domain 62; plus strand). Cytogenetic location: 19q13.12.
Variant type: single nucleotide variant.
Coding change: c.2695C>G on transcript NM_001083961.2 (MANE Select); coding-DNA position 2695, C replaced by G.
Protein change: p.Leu899Val; replaces leucine 899 with valine.
Molecular consequence: missense variant.
Genome position (GRCh38, 1-based): chr19:36,099,573, C>G. VCF-style: chr19-36099573-C-G. GRCh37 (hg19) VCF-style: chr19-36590475-C-G.
Other names: c.2695C>G, p.Leu899Val (NM_173636.5); short protein forms L899V.
Identifiers: ClinVar variation 1475353 (VCV001475353.6), dbSNP rs2145847233, ClinGen allele CA405444700.